The following is an entry in ClinVar:

NM_177924.5(ASAH1):c.968G>T (p.Arg323Leu)

Gene: ASAH1 (N-acylsphingosine amidohydrolase 1; minus strand). Cytogenetic location: 8p22.
Variant type: single nucleotide variant.
Coding change: c.968G>T on transcript NM_177924.5 (MANE Select); coding-DNA position 968, G replaced by T.
Protein change: p.Arg323Leu; replaces arginine 323 with leucine.
Molecular consequence: missense variant.
Genome position (GRCh38, 1-based): chr8:18,059,414, C>A on the plus strand (G>T on the coding strand, the complement: ASAH1 is on the minus strand). VCF-style: chr8-18059414-C-A. GRCh37 (hg19) VCF-style: chr8-17916923-C-A.
Other names: c.950G>T, p.Arg317Leu (NM_001127505.3); c.773G>T, p.Arg258Leu (NM_001363743.2); c.1016G>T, p.Arg339Leu (NM_004315.6); short protein forms R317L, R258L, R339L, R323L.
Identifiers: ClinVar variation 2075830 (VCV002075830.1), dbSNP rs144363797, ClinGen allele CA4650608.

ClinVar aggregate classification (germline): Uncertain significance (1 of 4 stars; one submission).

gnomAD v4.1: 26 of 1,614,018 alleles (0.0016%); highest among the groups gnomAD compares: Non-Finnish European, 0.0021%; no homozygotes.

Submission:

Labcorp Genetics (formerly Invitae), Labcorp
Classification: Uncertain significance. Last evaluated: 2022-03-27. Review status: criteria provided, single submitter. Criteria: Invitae Variant Classification Sherloc (09022015). Collection method: clinical testing. Allele origin: germline.
Comment: This sequence change replaces arginine, which is basic and polar, with leucine, which is neutral and non-polar, at codon 323 of the ASAH1 protein (p.Arg323Leu). This variant is present in population databases (rs144363797, gnomAD 0.003%). This variant has not been reported in the literature in individuals affected with ASAH1-related conditions. Algorithms developed to predict the effect of missense changes on protein structure and function are either unavailable or do not agree on the potential impact of this missense change (SIFT: "Tolerated"; PolyPhen-2: "Possibly Damaging"; Align-GVGD: "Class C0"). In summary, the available evidence is currently insufficient to determine the role of this variant in disease. Therefore, it has been classified as a Variant of Uncertain Significance.